The following is an entry in ClinVar:

NM_014915.3(ANKRD26):c.3194A>C (p.Gln1065Pro)

Gene: ANKRD26 (ankyrin repeat domain containing 26; minus strand). Cytogenetic location: 10p12.1.
Variant type: single nucleotide variant.
Coding change: c.3194A>C on transcript NM_014915.3 (MANE Select); coding-DNA position 3194, A replaced by C.
Protein change: p.Gln1065Pro; replaces glutamine 1065 with proline.
Molecular consequence: missense variant.
Genome position (GRCh38, 1-based): chr10:27,035,256, T>G on the plus strand (A>C on the coding strand, the complement: ANKRD26 is on the minus strand). VCF-style: chr10-27035256-T-G. GRCh37 (hg19) VCF-style: chr10-27324185-T-G.
Other names: c.3191A>C, p.Gln1064Pro (NM_001256053.2); short protein forms Q1064P, Q1065P.
Identifiers: ClinVar variation 4077982 (VCV004077982.2).

ClinVar aggregate classification (germline): Uncertain significance. Review status: criteria provided, multiple submitters, no conflicts (2 of 4 stars). 2 submissions from 2 submitters: Uncertain significance (2). Last evaluated 2025-08-25.

Conditions:
Inborn genetic diseases. Identifiers: MedGen C0950123, MeSH D030342.

Submissions (2):

Ambry Genetics
Classification: Uncertain significance for Inborn genetic diseases. Last evaluated: 2025-08-25. Review status: criteria provided, single submitter. Criteria: Ambry Variant Classification Scheme 2023. Collection method: clinical testing. Allele origin: germline.
Comment: The p.Q1065P variant (also known as c.3194A>C), located in coding exon 24 of the ANKRD26 gene, results from an A to C substitution at nucleotide position 3194. The glutamine at codon 1065 is replaced by proline, an amino acid with similar properties. This amino acid position is conserved. In addition, this alteration is predicted to be tolerated by in silico analysis. Based on the available evidence, the clinical significance of this variant remains unclear.

Revvity Omics, Revvity
Classification: Uncertain significance. Last evaluated: 2025-03-06. Review status: criteria provided, single submitter. Criteria: ACMG Guidelines, 2015. Collection method: clinical testing. Allele origin: germline.